The following is an entry in ClinVar:

NM_032242.4(PLXNA1):c.3340C>T (p.Arg1114Cys)

Gene: PLXNA1 (plexin A1; plus strand). Cytogenetic location: 3q21.3.
Variant type: single nucleotide variant.
Coding change: c.3340C>T on transcript NM_032242.4 (MANE Select); coding-DNA position 3340, C replaced by T.
Protein change: p.Arg1114Cys; replaces arginine 1114 with cysteine.
Molecular consequence: missense variant.
Genome position (GRCh38, 1-based): chr3:127,017,488, C>T. VCF-style: chr3-127017488-C-T. GRCh37 (hg19) VCF-style: chr3-126736331-C-T.
Other names: short protein forms R1114C.
Identifiers: ClinVar variation 4988515 (VCV004988515.1).

ClinVar aggregate classification (germline): Uncertain significance (1 of 4 stars; one submission).

Conditions:
PLXNA1-related disorder. Also called: PLXNA1-related condition.

gnomAD v4.1: 51 of 1,613,420 alleles (0.0032%); highest among the groups gnomAD compares: African/African-American, 0.0093%; no homozygotes.

Submission:

PreventionGenetics, part of Exact Sciences
Classification: Uncertain significance for PLXNA1-related condition. Last evaluated: 2026-05-07. Review status: criteria provided, single submitter. Criteria: ACMG Guidelines, 2015. Collection method: clinical testing. Allele origin: germline.
Comment: The PLXNA1 c.3340C>T variant is predicted to result in the amino acid substitution p.Arg1114Cys. To our knowledge, this variant has not been reported in the literature. This variant is reported in 0.012% of alleles in individuals of African descent in gnomAD. At this time, the clinical significance of this variant is uncertain due to the absence of conclusive functional and genetic evidence.